The following is an entry in ClinVar:

ClinVar aggregate classification (germline): Uncertain significance. Review status: criteria provided, multiple submitters, no conflicts (2 of 4 stars). 3 submissions from 3 submitters: Uncertain significance (3). Last evaluated 2025-05-05.

Conditions:
Inborn genetic diseases. Identifiers: MedGen C0950123, MeSH D030342.

Allele frequency attached by ClinVar (database versions not stated): gnomAD 0.00002; TOPMed 0.00004; ESP Exome Variant Server 0.00008; 1000 Genomes Project 0.00020; 1000 Genomes Project 30x 0.00031.

Submissions (3):

Ambry Genetics
Classification: Uncertain significance for Inborn genetic diseases. Last evaluated: 2025-05-05. Review status: criteria provided, single submitter. Criteria: Ambry Variant Classification Scheme 2023. Collection method: clinical testing. Allele origin: germline.

GeneDx
Classification: Uncertain significance. Last evaluated: 2025-02-22. Review status: criteria provided, single submitter. Criteria: GeneDx Variant Classification Process June 2021. Collection method: clinical testing. Allele origin: germline. Affected: yes.
Comment: Not observed at significant frequency in large population cohorts (gnomAD); In silico analysis supports that this missense variant has a deleterious effect on protein structure/function; Has not been previously published as pathogenic or benign to our knowledge

Labcorp Genetics (formerly Invitae), Labcorp
Classification: Uncertain significance. Last evaluated: 2022-03-23. Review status: criteria provided, single submitter. Criteria: Invitae Variant Classification Sherloc (09022015). Collection method: clinical testing. Allele origin: germline.
Comment: In summary, the available evidence is currently insufficient to determine the role of this variant in disease. Therefore, it has been classified as a Variant of Uncertain Significance. Algorithms developed to predict the effect of missense changes on protein structure and function (SIFT, PolyPhen-2, Align-GVGD) all suggest that this variant is likely to be disruptive. This variant has not been reported in the literature in individuals affected with NDUFS3-related conditions. This variant is present in population databases (rs369800649, gnomAD 0.01%). This sequence change replaces arginine, which is basic and polar, with cysteine, which is neutral and slightly polar, at codon 211 of the NDUFS3 protein (p.Arg211Cys).

NM_004551.3(NDUFS3):c.631C>T (p.Arg211Cys)

Gene: NDUFS3 (NADH:ubiquinone oxidoreductase core subunit S3; plus strand). Cytogenetic location: 11p11.2.
Variant type: single nucleotide variant.
Coding change: c.631C>T on transcript NM_004551.3 (MANE Select); coding-DNA position 631, C replaced by T.
Protein change: p.Arg211Cys; replaces arginine 211 with cysteine.
Molecular consequence: missense variant.
Genome position (GRCh38, 1-based): chr11:47,584,317, C>T. VCF-style: chr11-47584317-C-T. GRCh37 (hg19) VCF-style: chr11-47605869-C-T.
Other names: c.631C>T (NM_004551.2, NM_004551.1); short protein forms R211C.
Identifiers: ClinVar variation 2199708 (VCV002199708.4), dbSNP rs369800649, ClinGen allele CA5978056.